The following is an entry in ClinVar:

NM_000038.6(APC):c.1359A>C (p.Leu453=)

Gene: APC (APC regulator of Wnt signaling pathway; plus strand). Cytogenetic location: 5q22.2.
Variant type: single nucleotide variant.
Coding change: c.1359A>C on transcript NM_000038.6 (MANE Select); coding-DNA position 1359, A replaced by C.
Protein change: p.Leu453=; no amino-acid change (leucine 453 retained).
Molecular consequence: synonymous variant. On other transcripts: non-coding transcript variant (2).
Genome position (GRCh38, 1-based): chr5:112,821,942, A>C. VCF-style: chr5-112821942-A-C. GRCh37 (hg19) VCF-style: chr5-112157639-A-C.
Other names: c.1359A>C (NM_000038.5); c.1359A>C, p.Leu453= (NM_001127510.3, NM_001354895.2, NM_001354896.2 and 4 more transcripts); c.1305A>C, p.Leu435= (NM_001127511.3); c.1389A>C, p.Leu463= (NM_001354897.2, NM_001407446.1); c.1284A>C, p.Leu428= (NM_001354898.2, NM_001407451.1); c.1275A>C, p.Leu425= (NM_001354899.2, NM_001407452.1); c.1182A>C, p.Leu394= (NM_001354900.2, NM_001354901.2, NM_001407453.1); c.1086A>C, p.Leu362= (NM_001354902.2); and 6 more.
Identifiers: ClinVar variation 3148597 (VCV003148597.2), dbSNP rs751945983, ClinGen allele CA445755862.
Genomic context (GRCh38, chr5:112,821,942, plus strand): 5'-ATTTTATTTTTCAGTGCCAGCTCCTGTTGAACATCAGATCTGTCCTGCTGTGTGTGTTCT[A>C]ATGAAACTTTCATTTGATGAAGAGCATAGACATGCAATGAATGAACTAGGTAAGACAAAA-3'
Protein context (NP_000029.2, residues 443-463): EHQICPAVCV[Leu453=]MKLSFDEEHR

ClinVar aggregate classification (germline): Benign/Likely benign. Review status: criteria provided, multiple submitters, no conflicts (2 of 4 stars). 2 submissions from 2 submitters: Benign (1); Likely benign (1). Last evaluated 2025-11-29.

Conditions:
Hereditary cancer-predisposing syndrome. Also called: Neoplastic Syndromes, Hereditary; Tumor predisposition; Hereditary neoplastic syndrome; Hereditary Cancer Syndrome. Identifiers: Orphanet 140162, MedGen C0027672, MeSH D009386, MONDO:0015356.
Familial adenomatous polyposis 1 (FAP1). Also called: POLYPOSIS, ADENOMATOUS INTESTINAL; FAMILIAL ADENOMATOUS POLYPOSIS 1, ATTENUATED. Identifiers: MedGen C2713442, MONDO:0021056, OMIM 175100. Disease mechanism: loss of function.

gnomAD v4.1: 1 of 1,613,490 alleles (0.000062%); highest among the groups gnomAD compares: Non-Finnish European, 0.000085%; no homozygotes.

Submissions (2):

Ambry Genetics
Classification: Likely benign for Hereditary cancer-predisposing syndrome. Last evaluated: 2025-11-29. Review status: criteria provided, single submitter. Criteria: Ambry Variant Classification Scheme 2023. Collection method: clinical testing. Allele origin: germline.

Myriad Genetics, Inc.
Classification: Benign for Familial adenomatous polyposis 1. Last evaluated: 2024-03-01. Review status: criteria provided, single submitter. Criteria: Myriad Autosomal Dominant, Autosomal Recessive and X-Linked Classification Criteria (2023). Collection method: clinical testing. Allele origin: unknown.
Comment: This variant is considered benign. This variant is a silent/synonymous amino acid change and it is not expected to impact splicing.